The following is an entry in ClinVar:

NM_016083.6(CNR1):c.30T>C (p.Asp10=)

Gene: CNR1 (cannabinoid receptor 1; minus strand). Cytogenetic location: 6q15.
Variant type: single nucleotide variant.
Coding change: c.30T>C on transcript NM_016083.6 (MANE Select); coding-DNA position 30, T replaced by C.
Protein change: p.Asp10=; no amino-acid change (aspartic acid 10 retained).
Molecular consequence: synonymous variant.
Genome position (GRCh38, 1-based): chr6:88,145,245, A>G on the plus strand (T>C on the coding strand, the complement: CNR1 is on the minus strand). VCF-style: chr6-88145245-A-G. GRCh37 (hg19) VCF-style: chr6-88854964-A-G.
Other names: c.30T>C, p.Asp10= (NM_001160226.3, NM_001160258.3, NM_001160259.3 and 13 more transcripts).
Identifiers: ClinVar variation 3053090 (VCV003053090.2), dbSNP rs200220585, ClinGen allele CA3918270.

ClinVar aggregate classification (germline): Likely benign (0 of 4 stars; one submission).

Conditions:
CNR1-related disorder. Also called: CNR1-related condition.

Allele frequency attached by ClinVar (database versions not stated): gnomAD 0.00009; gnomAD exomes 0.00009; TOPMed 0.00018; ESP Exome Variant Server 0.00023; ExAC 0.00025.

Submission:

PreventionGenetics, part of Exact Sciences
Classification: Likely benign for CNR1-related condition. Last evaluated: 2019-08-14. Review status: no assertion criteria provided. Collection method: clinical testing. Allele origin: germline.
Comment: This variant is classified as likely benign based on ACMG/AMP sequence variant interpretation guidelines (Richards et al. 2015 PMID: 25741868, with internal and published modifications).